The following is an entry in ClinVar:

ClinVar aggregate classification (germline): Uncertain significance (1 of 4 stars; one submission).

Submission:

Labcorp Genetics (formerly Invitae), Labcorp
Classification: Uncertain significance. Last evaluated: 2024-07-22. Review status: criteria provided, single submitter. Criteria: Invitae Variant Classification Sherloc (09022015). Collection method: clinical testing. Allele origin: germline.
Comment: This sequence change replaces proline, which is neutral and non-polar, with leucine, which is neutral and non-polar, at codon 25 of the TPP1 protein (p.Pro25Leu). This variant is not present in population databases (gnomAD no frequency). This variant has not been reported in the literature in individuals affected with TPP1-related conditions. ClinVar contains an entry for this variant (Variation ID: 2017716). Advanced modeling of protein sequence and biophysical properties (such as structural, functional, and spatial information, amino acid conservation, physicochemical variation, residue mobility, and thermodynamic stability) performed at Invitae indicates that this missense variant is not expected to disrupt TPP1 protein function with a negative predictive value of 95%. In summary, the available evidence is currently insufficient to determine the role of this variant in disease. Therefore, it has been classified as a Variant of Uncertain Significance.

NM_000391.4(TPP1):c.74C>T (p.Pro25Leu)

Gene: TPP1 (tripeptidyl peptidase 1; minus strand). Cytogenetic location: 11p15.4.
Variant type: single nucleotide variant.
Coding change: c.74C>T on transcript NM_000391.4 (MANE Select); coding-DNA position 74, C replaced by T.
Protein change: p.Pro25Leu; replaces proline 25 with leucine.
Molecular consequence: missense variant.
Genome position (GRCh38, 1-based): chr11:6,619,211, G>A on the plus strand (C>T on the coding strand, the complement: TPP1 is on the minus strand). VCF-style: chr11-6619211-G-A. GRCh37 (hg19) VCF-style: chr11-6640442-G-A.
Other names: short protein forms P25L.
Identifiers: ClinVar variation 2017716 (VCV002017716.4), dbSNP rs2493802753, ClinGen allele CA379476960.